The following is an entry in ClinVar:

NM_003128.3(SPTBN1):c.4886C>T (p.Ser1629Phe)

Gene: SPTBN1 (spectrin beta, non-erythrocytic 1; plus strand). Cytogenetic location: 2p16.2.
Variant type: single nucleotide variant.
Coding change: c.4886C>T on transcript NM_003128.3 (MANE Select); coding-DNA position 4886, C replaced by T.
Protein change: p.Ser1629Phe; replaces serine 1629 with phenylalanine.
Molecular consequence: missense variant.
Genome position (GRCh38, 1-based): chr2:54,647,150, C>T. VCF-style: chr2-54647150-C-T. GRCh37 (hg19) VCF-style: chr2-54874287-C-T.
Other names: c.4847C>T, p.Ser1616Phe (NM_178313.3); short protein forms S1616F, S1629F.
Identifiers: ClinVar variation 5016819 (VCV005016819.1).

ClinVar aggregate classification (germline): Uncertain significance (1 of 4 stars; one submission).

gnomAD v4.1: 1 of 1,614,056 alleles (0.000062%); highest among the groups gnomAD compares: African/African-American, 0.0013%; no homozygotes.

Submission:

GeneDx
Classification: Uncertain significance. Last evaluated: 2026-03-24. Review status: criteria provided, single submitter. Criteria: GeneDx Variant Classification Process June 2021. Collection method: clinical testing. Allele origin: germline.
Comment: Not observed at significant frequency in large population cohorts (gnomAD); In silico analysis suggests that this missense variant does not alter protein structure/function; Has not been previously published as pathogenic or benign to our knowledge